The following is an entry in ClinVar:

ClinVar aggregate classification (germline): Uncertain significance (1 of 4 stars; one submission).

Conditions:
Early-infantile DEE. Also called: Early infantile epileptic encephalopathy with suppression bursts; Early infantile epileptic encephalopathy; Ohtahara syndrome. Identifiers: Orphanet 1934, MedGen C0393706, MONDO:0800491.

Allele frequency attached by ClinVar (database versions not stated): TOPMed below 0.00001.

Submission:

Labcorp Genetics (formerly Invitae), Labcorp
Classification: Uncertain significance for Early-infantile DEE. Last evaluated: 2023-05-01. Review status: criteria provided, single submitter. Criteria: Invitae Variant Classification Sherloc (09022015). Collection method: clinical testing. Allele origin: germline.
Comment: This sequence change replaces phenylalanine, which is neutral and non-polar, with leucine, which is neutral and non-polar, at codon 1678 of the SCN1A protein (p.Phe1678Leu). In summary, the available evidence is currently insufficient to determine the role of this variant in disease. Therefore, it has been classified as a Variant of Uncertain Significance. Advanced modeling of protein sequence and biophysical properties (such as structural, functional, and spatial information, amino acid conservation, physicochemical variation, residue mobility, and thermodynamic stability) performed at Invitae indicates that this missense variant is expected to disrupt SCN1A protein function. This variant has not been reported in the literature in individuals affected with SCN1A-related conditions. This variant is present in population databases (no rsID available, gnomAD 0.007%).

NM_001165963.4(SCN1A):c.5032T>C (p.Phe1678Leu)

Genes: SCN1A (sodium voltage-gated channel alpha subunit 1; minus strand), LOC102724058 (uncharacterized LOC102724058; plus strand). Cytogenetic location: 2q24.3.
Variant type: single nucleotide variant.
Coding change: c.5032T>C on transcript NM_001165963.4 (MANE Select); coding-DNA position 5032, T replaced by C.
Protein change: p.Phe1678Leu; replaces phenylalanine 1678 with leucine.
Molecular consequence: missense variant. On other transcripts: non-coding transcript variant (1).
Genome position (GRCh38, 1-based): chr2:165,992,243, A>G on the plus strand (T>C on the coding strand, the complement: SCN1A is on the minus strand). VCF-style: chr2-165992243-A-G. GRCh37 (hg19) VCF-style: chr2-166848753-A-G.
Other names: c.4948T>C, p.Phe1650Leu (NM_001165964.3, NM_001353957.2, NM_001353958.2); c.5032T>C, p.Phe1678Leu (NM_001202435.3, NM_001353948.2); c.4999T>C, p.Phe1667Leu (NM_001353949.2, NM_001353950.2, NM_001353951.2 and 2 more transcripts); c.4996T>C, p.Phe1666Leu (NM_001353954.2, NM_001353955.2); c.4945T>C, p.Phe1649Leu (NM_001353960.2); c.2590T>C, p.Phe864Leu (NM_001353961.2); short protein forms F1666L, F1667L, F1649L, F1678L, F864L, F1650L.
Identifiers: ClinVar variation 2959591 (VCV002959591.3), dbSNP rs1398911730, ClinGen allele CA349069607.